The following is an entry in ClinVar:

ClinVar aggregate classification (germline): Uncertain significance (1 of 4 stars; one submission).

gnomAD v4.1: 5 of 1,611,828 alleles (0.00031%); highest among the groups gnomAD compares: Middle Eastern, 0.034%; no homozygotes.

Submission:

Ambry Genetics
Classification: Uncertain significance. Last evaluated: 2025-04-21. Review status: criteria provided, single submitter. Criteria: Ambry Variant Classification Scheme 2023. Collection method: clinical testing. Allele origin: germline.
Comment: The p.S1082C variant (also known as c.3244A>T), located in coding exon 12 of the WNK2 gene, results from an A to T substitution at nucleotide position 3244. The serine at codon 1082 is replaced by cysteine, an amino acid with dissimilar properties. This amino acid position is conserved. In addition, this alteration is predicted to be tolerated by in silico analysis. Based on the available evidence, the clinical significance of this variant remains unclear.

NM_006648.4(WNK2):c.3244A>T (p.Ser1082Cys)

Gene: WNK2 (WNK lysine deficient protein kinase 2; plus strand). Cytogenetic location: 9q22.31.
Variant type: single nucleotide variant.
Coding change: c.3244A>T on transcript NM_006648.4 (MANE Select); coding-DNA position 3244, A replaced by T.
Protein change: p.Ser1082Cys; replaces serine 1082 with cysteine.
Molecular consequence: missense variant.
Genome position (GRCh38, 1-based): chr9:93,261,991, A>T. VCF-style: chr9-93261991-A-T. GRCh37 (hg19) VCF-style: chr9-96024273-A-T.
Other names: c.3244A>T, p.Ser1082Cys (NM_001282394.3); short protein forms S1082C.
Identifiers: ClinVar variation 3981936 (VCV003981936.1).
Genomic context (GRCh38, chr9:93,261,991, plus strand): 5'-GCCCCTGAGCTCCTGCCTCAGTTCCCCAGCTCCCTGGCCACGGTGTCTGCCTCTGTGCAG[A>T]GTGTGCCCACCCAGACTGCCACACTTCTGCCACCAGCAAACCCACCGCTGCCTGGCGGGC-3'
Protein context (NP_006639.3, residues 1072-1092): SLATVSASVQ[Ser1082Cys]VPTQTATLLP